The following is an entry in ClinVar:

NM_024577.4(SH3TC2):c.646G>A (p.Glu216Lys)

Gene: SH3TC2 (SH3 domain and tetratricopeptide repeats 2; minus strand). Cytogenetic location: 5q32.
Variant type: single nucleotide variant.
Coding change: c.646G>A on transcript NM_024577.4 (MANE Select); coding-DNA position 646, G replaced by A.
Protein change: p.Glu216Lys; replaces glutamic acid 216 with lysine.
Molecular consequence: missense variant.
Genome position (GRCh38, 1-based): chr5:149,041,501, C>T on the plus strand (G>A on the coding strand, the complement: SH3TC2 is on the minus strand). VCF-style: chr5-149041501-C-T. GRCh37 (hg19) VCF-style: chr5-148421064-C-T.
Other names: c.646G>A (NM_024577.3); short protein forms E216K.
Identifiers: ClinVar variation 1022517 (VCV001022517.11), dbSNP rs867509336, ClinGen allele CA128997351.
Genomic context (GRCh38, chr5:149,041,501, plus strand): 5'-CCAAGGCTGACACCAGTACCAGGCCCCGCTGACCTGTCACCAAAGACACGCCTTCCAACT[C>T]GGAGCCAGCTTCTGCCATCTTCACTGAGATTAACTCATTCTTGCAAAGTGTCAAGCATTC-3'
Protein context (NP_078853.2, residues 206-226): ISVKMAEAGS[Glu216Lys]LEGVSLVTGQ

ClinVar aggregate classification (germline): Uncertain significance. Review status: criteria provided, multiple submitters, no conflicts (2 of 4 stars). 4 submissions from 4 submitters: Uncertain significance (4). Last evaluated 2025-04-03.

Conditions:
SH3TC2-related disorder. Also called: SH3TC2-related condition; SH3TC2-related disorders. Identifiers: MedGen CN239303.
Charcot-Marie-Tooth disease type 4. Also called: Charcot-Marie-Tooth disease, type IV; Charcot-Marie-Tooth, Type 4. Identifiers: Orphanet 64749, MedGen C4082197, MONDO:0018995.
Charcot-Marie-Tooth disease type 4C (CMT4C). Also called: CHARCOT-MARIE-TOOTH DISEASE, DEMYELINATING, AUTOSOMAL RECESSIVE, TYPE 4C; CHARCOT-MARIE-TOOTH DISEASE, DEMYELINATING, TYPE 4C; CMT 4C; Charcot-Marie-Tooth Neuropathy Type 4C (CMT4C); SH3TC2-Related Hereditary Motor and Sensory Neuropathy. Identifiers: Orphanet 99949, MedGen C1866636, MONDO:0011113, OMIM 601596.
Susceptibility to mononeuropathy of the median nerve, mild. Also called: CARPAL TUNNEL SYNDROME, SUSCEPTIBILITY TO. Identifiers: MedGen C3150596, MONDO:0013237, OMIM 613353.

Allele frequency attached by ClinVar (database versions not stated): gnomAD exomes below 0.00001; gnomAD 0.00001.
gnomAD v4.1: 5 of 1,614,084 alleles (0.00031%); highest among the groups gnomAD compares: Non-Finnish European, 0.00042%; no homozygotes.

Submissions (4):

PreventionGenetics, part of Exact Sciences
Classification: Uncertain significance for SH3TC2-related condition. Last evaluated: 2025-04-03. Review status: criteria provided, single submitter. Criteria: ACMG Guidelines, 2015. Collection method: clinical testing. Allele origin: germline.
Comment: The SH3TC2 c.646G>A variant is predicted to result in the amino acid substitution p.Glu216Lys. To our knowledge, this variant has not been reported in the literature. This variant is reported in 0.0065% of alleles in individuals of European (non-Finnish) descent in gnomAD. At this time, the clinical significance of this variant is uncertain due to the absence of conclusive functional and genetic evidence.

Blueprint Genetics
Classification: Uncertain significance. Last evaluated: 2023-08-23. Review status: criteria provided, single submitter. Criteria: ACMG Guidelines, 2015. Collection method: clinical testing. Allele origin: germline.

Department of Pathology and Laboratory Medicine, Sinai Health System
Classification: Uncertain significance for Charcot-Marie-Tooth disease type 4C; Susceptibility to mononeuropathy of the median nerve, mild. Last evaluated: 2020-07-27. Review status: criteria provided, single submitter. Criteria: ACMG Guidelines, 2015. Collection method: research. Allele origin: germline.

Labcorp Genetics (formerly Invitae), Labcorp
Classification: Uncertain significance for Charcot-Marie-Tooth disease type 4. Last evaluated: 2020-06-06. Review status: criteria provided, single submitter. Criteria: Invitae Variant Classification Sherloc (09022015). Collection method: clinical testing. Allele origin: germline.
Comment: This sequence change replaces glutamic acid with lysine at codon 216 of the SH3TC2 protein (p.Glu216Lys). The glutamic acid residue is moderately conserved and there is a small physicochemical difference between glutamic acid and lysine. This variant is not present in population databases (ExAC no frequency). This variant has not been reported in the literature in individuals with SH3TC2-related conditions. Algorithms developed to predict the effect of missense changes on protein structure and function (SIFT, PolyPhen-2, Align-GVGD) all suggest that this variant is likely to be tolerated, but these predictions have not been confirmed by published functional studies and their clinical significance is uncertain. In summary, the available evidence is currently insufficient to determine the role of this variant in disease. Therefore, it has been classified as a Variant of Uncertain Significance.